The following is an entry in ClinVar:

ClinVar aggregate classification (germline): Uncertain significance (1 of 4 stars; one submission).

Submission:

Ambry Genetics
Classification: Uncertain significance. Last evaluated: 2026-04-05. Review status: criteria provided, single submitter. Criteria: Ambry Variant Classification Scheme 2023. Collection method: clinical testing. Allele origin: germline.
Comment: The p.R1115L variant (also known as c.3344G>T), located in coding exon 2 of the MLH3 gene, results from a G to T substitution at nucleotide position 3344. The arginine at codon 1115 is replaced by leucine, an amino acid with dissimilar properties. This amino acid position is conserved. In addition, this alteration is predicted to be tolerated by in silico analysis. Based on the available evidence, the clinical significance of this variant remains unclear.

NM_001040108.2(MLH3):c.3344G>T (p.Arg1115Leu)

Gene: MLH3 (mutL homolog 3; minus strand). Cytogenetic location: 14q24.3.
Variant type: single nucleotide variant.
Coding change: c.3344G>T on transcript NM_001040108.2 (MANE Select); coding-DNA position 3344, G replaced by T.
Protein change: p.Arg1115Leu; replaces arginine 1115 with leucine.
Molecular consequence: missense variant.
Genome position (GRCh38, 1-based): chr14:75,042,414, C>A on the plus strand (G>T on the coding strand, the complement: MLH3 is on the minus strand). VCF-style: chr14-75042414-C-A. GRCh37 (hg19) VCF-style: chr14-75509117-C-A.
Other names: c.3344G>T, p.Arg1115Leu (NM_014381.3); short protein forms R1115L.
Identifiers: ClinVar variation 4860178 (VCV004860178.1).